The following is an entry in ClinVar:

ClinVar aggregate classification (germline): Uncertain significance (1 of 4 stars; one submission).

Conditions:
MHC class I deficiency. Identifiers: Orphanet 34592, MedGen C6024714, MONDO:0011476.

Submission:

Labcorp Genetics (formerly Invitae), Labcorp
Classification: Uncertain significance for MHC class I deficiency 1. Last evaluated: 2024-12-25. Review status: criteria provided, single submitter. Criteria: Invitae Variant Classification Sherloc (09022015). Collection method: clinical testing. Allele origin: germline.
Comment: This sequence change replaces alanine, which is neutral and non-polar, with valine, which is neutral and non-polar, at codon 235 of the TAPBP protein (p.Ala235Val). This variant is not present in population databases (gnomAD no frequency). This variant has not been reported in the literature in individuals affected with TAPBP-related conditions. An algorithm developed to predict the effect of missense changes on protein structure and function (PolyPhen-2) suggests that this variant is likely to be disruptive. In summary, the available evidence is currently insufficient to determine the role of this variant in disease. Therefore, it has been classified as a Variant of Uncertain Significance.

NM_003190.5(TAPBP):c.704C>T (p.Ala235Val)

Gene: TAPBP (TAP binding protein; minus strand). Cytogenetic location: 6p21.32.
Variant type: single nucleotide variant.
Coding change: c.704C>T on transcript NM_003190.5 (MANE Select); coding-DNA position 704, C replaced by T.
Protein change: p.Ala235Val; replaces alanine 235 with valine.
Molecular consequence: missense variant.
Genome position (GRCh38, 1-based): chr6:33,305,153, G>A on the plus strand (C>T on the coding strand, the complement: TAPBP is on the minus strand). VCF-style: chr6-33305153-G-A. GRCh37 (hg19) VCF-style: chr6-33272930-G-A.
Other names: c.704C>T, p.Ala235Val (NM_001410875.1, NM_172208.3); c.443C>T, p.Ala148Val (NM_172209.3); short protein forms A148V, A235V.
Identifiers: ClinVar variation 3728076 (VCV003728076.2).
Genomic context (GRCh38, chr6:33,305,153, plus strand): 5'-GTCCCATTTCCGGTCCATGGGCCCCATGGCTCATCATCATCCCAAGCAGCAAATGCCACG[G>A]CCCCTTCTTGGGCTGCTGGCATCTGGCCATTCAGCCCAGGAGTTGCAGCCAGGAGCAGAT-3'
Protein context (NP_003181.3, residues 225-245): NGQMPAAQEG[Ala235Val]VAFAAWDDDE